The following is an entry in ClinVar:

ClinVar aggregate classification (germline): Pathogenic (1 of 4 stars; one submission).

Allele frequency attached by ClinVar (database versions not stated): gnomAD exomes below 0.00001; gnomAD 0.00001; TOPMed 0.00002.
gnomAD v4.1: 3 of 1,614,008 alleles (0.00019%); highest among the groups gnomAD compares: African/African-American, 0.004%; no homozygotes.

Submission:

Labcorp Genetics (formerly Invitae), Labcorp
Classification: Pathogenic. Last evaluated: 2023-11-27. Review status: criteria provided, single submitter. Criteria: Invitae Variant Classification Sherloc (09022015). Collection method: clinical testing. Allele origin: germline.
Comment: This sequence change creates a premature translational stop signal (p.Gly394*) in the PCARE gene. It is expected to result in an absent or disrupted protein product. Loss-of-function variants in PCARE are known to be pathogenic (PMID: 20398886, 24339724, 26496393). This variant is present in population databases (no rsID available, gnomAD 0.008%). This variant has not been reported in the literature in individuals affected with PCARE-related conditions. ClinVar contains an entry for this variant (Variation ID: 1071669). For these reasons, this variant has been classified as Pathogenic.

Literature cited by the submitters: PubMed 20398886; PubMed 24339724; PubMed 26496393.

NM_001029883.3(PCARE):c.1180G>T (p.Gly394Ter)

Gene: PCARE (photoreceptor cilium actin regulator; minus strand). Cytogenetic location: 2p23.2.
Variant type: single nucleotide variant.
Coding change: c.1180G>T on transcript NM_001029883.3 (MANE Select); coding-DNA position 1180, G replaced by T.
Protein change: p.Gly394Ter; replaces glycine 394 with a stop codon.
Molecular consequence: nonsense.
Genome position (GRCh38, 1-based): chr2:29,073,082, C>A on the plus strand (G>T on the coding strand, the complement: PCARE is on the minus strand). VCF-style: chr2-29073082-C-A. GRCh37 (hg19) VCF-style: chr2-29295948-C-A.
Other names: short protein forms G394*.
Identifiers: ClinVar variation 1071669 (VCV001071669.7), dbSNP rs902856341, ClinGen allele CA44643252.
Genomic context (GRCh38, chr2:29,073,082, plus strand): 5'-GCAGGCAGTCCTGGGGTCTGCCTGAGCCCAAACAGAATGGACTTTGCTGCCAGGTGTGTC[C>A]TGACTGCCTGGCCTCTGTGTGGGGTGAAGTCACCGACTTCCATTCTTCGGGCTCTGGTGC-3'